The following is an entry in ClinVar:

ClinVar aggregate classification (germline): Likely benign (1 of 4 stars; one submission).

Submission:

CeGaT Center for Human Genetics Tuebingen
Classification: Likely benign. Last evaluated: 2023-03-01. Review status: criteria provided, single submitter. Criteria: CeGaT Center For Human Genetics Tuebingen Variant Classification Criteria Version 2. Collection method: clinical testing. Allele origin: germline. Affected: yes. Observed: 1 variant allele.
Comment: EPHA10: PM2:Supporting, BP4, BP7

NM_001099439.2(EPHA10):c.2799C>T (p.Pro933=)

Gene: EPHA10 (EPH receptor A10; minus strand). Cytogenetic location: 1p34.3.
Variant type: single nucleotide variant.
Coding change: c.2799C>T on transcript NM_001099439.2 (MANE Select); coding-DNA position 2799, C replaced by T.
Protein change: p.Pro933=; no amino-acid change (proline 933 retained).
Molecular consequence: synonymous variant.
Genome position (GRCh38, 1-based): chr1:37,718,774, G>A on the plus strand (C>T on the coding strand, the complement: EPHA10 is on the minus strand). VCF-style: chr1-37718774-G-A. GRCh37 (hg19) VCF-style: chr1-38184446-G-A.
Identifiers: ClinVar variation 2638678 (VCV002638678.24), dbSNP rs771156883, ClinGen allele CA417191493.